The following is an entry in ClinVar:

NM_003285.3(TNR):c.2004C>T (p.Ala668=)

Gene: TNR (tenascin R; minus strand). Cytogenetic location: 1q25.1.
Variant type: single nucleotide variant.
Coding change: c.2004C>T on transcript NM_003285.3 (MANE Select); coding-DNA position 2004, C replaced by T.
Protein change: p.Ala668=; no amino-acid change (alanine 668 retained).
Molecular consequence: synonymous variant.
Genome position (GRCh38, 1-based): chr1:175,367,257, G>A on the plus strand (C>T on the coding strand, the complement: TNR is on the minus strand). VCF-style: chr1-175367257-G-A. GRCh37 (hg19) VCF-style: chr1-175336393-G-A.
Other names: c.1005C>T, p.Ala335= (NM_001328635.2).
Identifiers: ClinVar variation 729991 (VCV000729991.12), dbSNP rs73038161, ClinGen allele CA1255748.

ClinVar aggregate classification (germline): Benign/Likely benign. Review status: criteria provided, multiple submitters, no conflicts (2 of 4 stars). 3 submissions from 3 submitters: Benign (2); Likely benign (1). Last evaluated 2026-03-01.

Allele frequency attached by ClinVar (database versions not stated): gnomAD exomes 0.00031; gnomAD 0.00320 and 0.00346; ESP Exome Variant Server 0.00331; TOPMed 0.00333; 1000 Genomes Project 0.00399; 1000 Genomes Project 30x 0.00453.
gnomAD v4.1: 943 of 1,614,106 alleles (0.058%); highest among the groups gnomAD compares: African/African-American, 1.1%; 5 homozygotes.

Submissions (3):

CeGaT Center for Human Genetics Tuebingen
Classification: Likely benign. Last evaluated: 2026-03-01. Review status: criteria provided, single submitter. Criteria: CeGaT Center For Human Genetics Tuebingen Variant Classification Criteria Version 2. Collection method: clinical testing. Allele origin: germline. Affected: yes. Observed: 2 variant alleles.
Comment: TNR: BP4, BP7, BS1

Labcorp Genetics (formerly Invitae), Labcorp
Classification: Benign. Last evaluated: 2019-12-31. Review status: criteria provided, single submitter. Criteria: Invitae Variant Classification Sherloc (09022015). Collection method: clinical testing. Allele origin: germline.

Breakthrough Genomics
Classification: Benign. Review status: criteria provided, single submitter. Criteria: ACMG Guidelines, 2015. Collection method: not provided. Allele origin: germline. Inheritance: Autosomal recessive inheritance. Affected: yes.